The following is an entry in ClinVar:

ClinVar aggregate classification (germline): Uncertain significance (1 of 4 stars; one submission).

Conditions:
Epileptic encephalopathy. Identifiers: MedGen C0543888, HP:0200134.

Submission:

Labcorp Genetics (formerly Invitae), Labcorp
Classification: Uncertain significance for Epileptic encephalopathy. Last evaluated: 2023-11-08. Review status: criteria provided, single submitter. Criteria: Invitae Variant Classification Sherloc (09022015). Collection method: clinical testing. Allele origin: germline.
Comment: This variant, c.442_444del, results in the deletion of 1 amino acid(s) of the FASN protein (p.Phe148del), but otherwise preserves the integrity of the reading frame. This variant is not present in population databases (gnomAD no frequency). This variant has not been reported in the literature in individuals affected with FASN-related conditions. Experimental studies and prediction algorithms are not available or were not evaluated, and the functional significance of this variant is currently unknown. In summary, the available evidence is currently insufficient to determine the role of this variant in disease. Therefore, it has been classified as a Variant of Uncertain Significance.

NM_004104.5(FASN):c.436TTC[2] (p.Phe148del)

Gene: FASN (fatty acid synthase; minus strand). Cytogenetic location: 17q25.3.
Variant type: Microsatellite.
Coding change: c.436TTC[2] on transcript NM_004104.5 (MANE Select); two copies in a row of the 3-base unit TTC starting at c.436; the reference has three copies in a row; one copy, 3 bases deleted.
Protein change: p.Phe148del; deletes phenylalanine 148.
Molecular consequence: inframe deletion.
Genome position (GRCh38, 1-based): chr17:82,093,608-82,093,610, GAA deleted on the plus strand (TTC on the coding strand, the reverse complement: FASN is on the minus strand); deleting any 3 consecutive bases within chr17:82,093,608-82,093,617 gives the same sequence; the position shown is the placement nearest the transcript's 3' end. VCF-style (leftmost placement, unchanged base first): chr17-82093607-CGAA-C. GRCh37 (hg19) VCF-style: chr17-80051483-CGAA-C.
Other names: short protein forms F148del.
Identifiers: ClinVar variation 2969241 (VCV002969241.3), dbSNP rs2034252991, ClinGen allele CA645599771.